The following is an entry in ClinVar:

ClinVar aggregate classification (germline): Conflicting classifications of pathogenicity. Review status: criteria provided, conflicting classifications (1 of 4 stars). 5 submissions from 5 submitters: Uncertain significance (2); Uncertain risk allele (1); Likely benign (1). 1 of the submissions does not count toward it. Last evaluated 2026-01-22.

Conditions:
Monogenic diabetes. Identifiers: Orphanet 183625, MedGen C3888631, MONDO:0015967.
HADH-related disorder. Also called: HADH-related condition.
Hyperinsulinemic hypoglycemia. Also called: Hyperinsulinemia hypoglycemia; Hyperinsulinemic hypoglycemia (disease). Identifiers: Orphanet 443095, MedGen C1864903, MONDO:0005803, HP:0000825.
Deficiency of 3-hydroxyacyl-CoA dehydrogenase. Also called: 3-hydroxyacyl-CoA dehydrogenase deficiency; HADH DEFICIENCY. Identifiers: Orphanet 309127, Orphanet 71212, MedGen C1291230, MONDO:0017715, OMIM 231530.

Allele frequency attached by ClinVar (database versions not stated): gnomAD exomes 0.00006 and 0.00020; ExAC 0.00028; gnomAD 0.00075 and 0.00079; ESP Exome Variant Server 0.00085; TOPMed 0.00087; 1000 Genomes Project 0.00140; 1000 Genomes Project 30x 0.00172.
gnomAD v4.1: 213 of 1,607,478 alleles (0.013%); highest among the groups gnomAD compares: African/African-American, 0.25%; no homozygotes.

Submissions (5):

Labcorp Genetics (formerly Invitae), Labcorp
Classification: Likely benign for Deficiency of 3-hydroxyacyl-CoA dehydrogenase. Last evaluated: 2026-01-22. Review status: criteria provided, single submitter. Criteria: Invitae Variant Classification Sherloc (09022015). Collection method: clinical testing. Allele origin: germline.

Genetic Services Laboratory, University of Chicago
Classification: Uncertain significance. Last evaluated: 2019-11-27. Review status: criteria provided, single submitter. Criteria: ACMG Guidelines, 2015. Collection method: clinical testing. Allele origin: germline. Affected: no.

Personalized Diabetes Medicine Program, University of Maryland School of Medicine
Classification: Uncertain significance for Monogenic diabetes. Last evaluated: 2018-09-21. Review status: criteria provided, single submitter. Criteria: ACMG Guidelines, 2015. Collection method: research. Allele origin: unknown. Observed: 1 variant allele, 1 heterozygote.
Comment: ACMG criteria: PP3 (0.751 +10 predictors)= VUS

Clinical Genomics, Uppaluri K&H Personalized Medicine Clinic
Classification: Uncertain risk allele for Hyperinsulinemic hypoglycemia. Review status: criteria provided, single submitter. Criteria: K & H Uppaluri Personalized Medicine Clinic Variant Classification & Assertion Criteria_Updated V.1. Collection method: research. Allele origin: unknown. Inheritance: Autosomal recessive inheritance.
Comment: Potent mutations in HADH gene are associated with congenital hyperinsulinism, which leads to recurrent hypoglycemia. The condition is exacerbated by stress, fasting or excessive dietary protein. May respond well to diazoxide. However, the role of this particular variant rs144699575 in congenital hyperinsulinism is yet to be ascertained.

PreventionGenetics, part of Exact Sciences
Classification: Likely benign for HADH-related condition. Last evaluated: 2023-08-14. Review status: no assertion criteria provided. Collection method: clinical testing. Allele origin: germline. Not counted in ClinVar's aggregate classification.
Comment: This variant is classified as likely benign based on ACMG/AMP sequence variant interpretation guidelines (Richards et al. 2015 PMID: 25741868, with internal and published modifications).

Literature cited by the submitters: PubMed 34547194 (cited by Clinical Genomics, Uppaluri K&H Personalized Medicine Clinic); PubMed 34055426 (cited by Clinical Genomics, Uppaluri K&H Personalized Medicine Clinic); PubMed 29280746 (cited by Clinical Genomics, Uppaluri K&H Personalized Medicine Clinic).

NM_005327.7(HADH):c.614G>C (p.Gly205Ala)

Gene: HADH (hydroxyacyl-CoA dehydrogenase; plus strand). Cytogenetic location: 4q25.
Variant type: single nucleotide variant.
Coding change: c.614G>C on transcript NM_005327.7 (MANE Select); coding-DNA position 614, G replaced by C.
Protein change: p.Gly205Ala; replaces glycine 205 with alanine.
Molecular consequence: missense variant.
Genome position (GRCh38, 1-based): chr4:108,023,541, G>C. VCF-style: chr4-108023541-G-C. GRCh37 (hg19) VCF-style: chr4-108944697-G-C.
Other names: c.614G>C (NM_001184705.2); c.614G>C, p.Gly205Ala (NM_001184705.4); c.626G>C, p.Gly209Ala (NM_001331027.2); short protein forms G205A, G209A.
Identifiers: ClinVar variation 705617 (VCV000705617.18), dbSNP rs144699575, ClinGen allele CA3037519.